The following is an entry in ClinVar:

NM_152274.5(CCNQ):c.501C>T (p.Ala167=)

Gene: CCNQ (cyclin Q; minus strand). Cytogenetic location: Xq28.
Variant type: single nucleotide variant.
Coding change: c.501C>T on transcript NM_152274.5 (MANE Select); coding-DNA position 501, C replaced by T.
Protein change: p.Ala167=; no amino-acid change (alanine 167 retained).
Molecular consequence: synonymous variant.
Genome position (GRCh38, 1-based): chrX:153,592,662, G>A on the plus strand (C>T on the coding strand, the complement: CCNQ is on the minus strand). VCF-style: chrX-153592662-G-A. GRCh37 (hg19) VCF-style: chrX-152858120-G-A.
Other names: c.501C>T (NM_152274.4); c.501C>T, p.Ala167= (NM_001130997.3).
Identifiers: ClinVar variation 1299815 (VCV001299815.7), dbSNP rs782615471, ClinGen allele CA10548398.

ClinVar aggregate classification (germline): Benign/Likely benign. Review status: criteria provided, multiple submitters, no conflicts (2 of 4 stars). 4 submissions from 4 submitters: Benign (1); Likely benign (1). 2 of the submissions do not count toward it. Last evaluated 2025-04-30.

Conditions:
CCNQ-related disorder. Also called: CCNQ-related condition.

Allele frequency attached by ClinVar (database versions not stated): TOPMed 0.00002; gnomAD 0.00004 and 0.00005; gnomAD exomes 0.00011 and 0.00016; ExAC 0.00018; 1000 Genomes Project 30x 0.00021; 1000 Genomes Project 0.00026.
gnomAD v4.1: 128 of 1,210,439 alleles (0.011%); highest among the groups gnomAD compares: South Asian, 0.18%; 2 homozygotes.

Submissions (4):

PreventionGenetics, part of Exact Sciences
Classification: Likely benign for CCNQ-related condition. Last evaluated: 2025-04-30. Review status: criteria provided, single submitter. Criteria: ACMG Guidelines, 2015. Collection method: clinical testing. Allele origin: germline.
Comment: This variant is classified as likely benign based on ACMG/AMP sequence variant interpretation guidelines (Richards et al. 2015 PMID: 25741868, with internal and published modifications).

Labcorp Genetics (formerly Invitae), Labcorp
Classification: Benign. Last evaluated: 2023-04-06. Review status: criteria provided, single submitter. Criteria: Invitae Variant Classification Sherloc (09022015). Collection method: clinical testing. Allele origin: germline.

Clinical Genetics DNA and cytogenetics Diagnostics Lab, Erasmus MC, Erasmus Medical Center
Classification: Likely benign. Review status: no assertion criteria provided. Collection method: clinical testing. Allele origin: germline. Affected: yes. Study: VKGL Data-share Consensus. Not counted in ClinVar's aggregate classification.

Genome Diagnostics Laboratory, University Medical Center Utrecht
Classification: Likely benign. Review status: no assertion criteria provided. Collection method: clinical testing. Allele origin: germline. Affected: yes. Study: VKGL Data-share Consensus. Not counted in ClinVar's aggregate classification.